The following is an entry in ClinVar:

ClinVar aggregate classification (germline): Pathogenic (1 of 4 stars; one submission).

Conditions:
Neurofibromatosis, type 2 (SWNV). Also called: SCHWANNOMATOSIS, VESTIBULAR; BILATERAL ACOUSTIC NEUROFIBROMATOSIS; NF2-Related Schwannomatosis. Identifiers: Orphanet 637, MedGen C0027832, MONDO:0007039, OMIM 101000. Disease mechanism: loss of function.

Submission:

Labcorp Genetics (formerly Invitae), Labcorp
Classification: Pathogenic for Neurofibromatosis, type 2. Last evaluated: 2023-07-18. Review status: criteria provided, single submitter. Criteria: Invitae Variant Classification Sherloc (09022015). Collection method: clinical testing. Allele origin: unknown.
Comment: For these reasons, this variant has been classified as Pathogenic. A similar copy number variant has been observed in individual(s) with neurofibromatosis type 2 (PMID: 27704245, 33067351). This variant is a gross deletion of the genomic region encompassing exon(s) 1-6 of the NF2 gene, which includes the initiator codon. This deletion extends beyond the assayed region for this gene and therefore may encompass additional genes. It is expected to result in an absent or disrupted protein product. Loss-of-function variants in NF2 are known to be pathogenic (PMID: 9643284, 16983642).

Literature cited by the submitters: PubMed 27704245; PubMed 33067351; PubMed 9643284; PubMed 16983642.

NC_000022.10:g.(?_29999988)_(30051675_?)del

Gene: NF2 (NF2, moesin-ezrin-radixin like (MERLIN) tumor suppressor; plus strand). Cytogenetic location: 22q12.2.
Variant type: Deletion.
Identifiers: ClinVar variation 3247160 (VCV003247160.1).